The following is an entry in ClinVar:

ClinVar aggregate classification (germline): Likely benign. Review status: criteria provided, multiple submitters, no conflicts (2 of 4 stars). 3 submissions from 3 submitters: Likely benign (3). Last evaluated 2025-12-23.

Conditions:
MCM3AP-related disorder. Also called: MCM3AP-related condition.

Allele frequency attached by ClinVar (database versions not stated): TOPMed 0.00005; gnomAD 0.00008; gnomAD exomes 0.00009 and 0.00010; ExAC 0.00012; 1000 Genomes Project 30x 0.00016; 1000 Genomes Project 0.00020.
gnomAD v4.1: 138 of 1,604,844 alleles (0.0086%); highest among the groups gnomAD compares: Non-Finnish European, 0.01%; no homozygotes.

Submissions (3):

Labcorp Genetics (formerly Invitae), Labcorp
Classification: Likely benign. Last evaluated: 2025-12-23. Review status: criteria provided, single submitter. Criteria: Invitae Variant Classification Sherloc (09022015). Collection method: clinical testing. Allele origin: germline.

PreventionGenetics, part of Exact Sciences
Classification: Likely benign for MCM3AP-related condition. Last evaluated: 2025-02-21. Review status: criteria provided, single submitter. Criteria: ACMG Guidelines, 2015. Collection method: clinical testing. Allele origin: germline.
Comment: This variant is classified as likely benign based on ACMG/AMP sequence variant interpretation guidelines (Richards et al. 2015 PMID: 25741868, with internal and published modifications).

CeGaT Center for Human Genetics Tuebingen
Classification: Likely benign. Last evaluated: 2022-10-01. Review status: criteria provided, single submitter. Criteria: CeGaT Center For Human Genetics Tuebingen Variant Classification Criteria Version 2. Collection method: clinical testing. Allele origin: germline. Affected: yes. Observed: 1 variant allele.
Comment: MCM3AP: BP4, BP7

NM_003906.5(MCM3AP):c.4635A>G (p.Gln1545=)

Genes: MCM3AP (minichromosome maintenance complex component 3 associated protein; minus strand), MCM3AP-AS1 (MCM3AP antisense RNA 1; plus strand). Cytogenetic location: 21q22.3.
Variant type: single nucleotide variant.
Coding change: c.4635A>G on transcript NM_003906.5 (MANE Select); coding-DNA position 4635, A replaced by G.
Protein change: p.Gln1545=; no amino-acid change (glutamine 1545 retained).
Molecular consequence: synonymous variant.
Genome position (GRCh38, 1-based): chr21:46,246,319, T>C on the plus strand (A>G on the coding strand, the complement: MCM3AP is on the minus strand). VCF-style: chr21-46246319-T-C. GRCh37 (hg19) VCF-style: chr21-47666233-T-C.
Other names: c.4635A>G (NM_003906.4).
Identifiers: ClinVar variation 1596564 (VCV001596564.38), dbSNP rs201880491, ClinGen allele CA10076064.